The following is an entry in ClinVar:

ClinVar aggregate classification (germline): Pathogenic (1 of 4 stars; one submission).

Conditions:
Congenital afibrinogenemia. Identifiers: Orphanet 335, Orphanet 98880, MedGen C2584774, MONDO:0008737, OMIM 202400.

Submission:

Women's Health and Genetics/Laboratory Corporation of America, LabCorp
Classification: Pathogenic for Congenital afibrinogenemia. Last evaluated: 2026-03-04. Review status: criteria provided, single submitter. Criteria: LabCorp Variant Classification Summary - May 2015. Collection method: clinical testing. Allele origin: germline.
Comment: Variant summary: FGB c.1372A>T (p.Lys458X) results in a premature termination codon in the last exon, predicted to cause a truncation of the encoded protein, however, nonsense mediated decay is not expected to occur. The variant was absent in 251418 control chromosomes. To our knowledge, no occurrence of c.1372A>T in individuals affected with FGB-related conditions and no experimental evidence demonstrating its impact on protein function have been reported. At least one downstream variant has been classified as Pathogenic/Likely Pathogenic (c.1400G>A, p.Trp467*), providing evidence that the region altered by the variant is critical to protein function. The following publication has been ascertained in the context of this evaluation (PMID: 12511408). No submitters have cited clinical-significance assessments for this variant to ClinVar. Based on the evidence outlined above, the variant was classified as pathogenic.

NM_005141.5(FGB):c.1372A>T (p.Lys458Ter)

Gene: FGB (fibrinogen beta chain; plus strand). Cytogenetic location: 4q31.3.
Variant type: single nucleotide variant.
Coding change: c.1372A>T on transcript NM_005141.5 (MANE Select); coding-DNA position 1372, A replaced by T.
Protein change: p.Lys458Ter; replaces lysine 458 with a stop codon.
Molecular consequence: nonsense. On other transcripts: 3 prime UTR variant (2), intron variant (1).
Genome position (GRCh38, 1-based): chr4:154,570,546, A>T. VCF-style: chr4-154570546-A-T. GRCh37 (hg19) VCF-style: chr4-155491698-A-T.
Other names: c.1195A>T, p.Lys399Ter (NM_001184741.1); c.1240A>T, p.Lys414Ter (NM_001382759.1); c.*37A>T (NM_001382761.1); c.1072A>T, p.Lys358Ter (NM_001382762.1); c.1363A>T, p.Lys455Ter (NM_001382763.1); c.*146A>T (NM_001382764.1); c.1348A>T, p.Lys450Ter (NM_001382765.1); c.1245-71A>T (NM_001382760.1); short protein forms K358*, K399*, K414*, K450*, K455*, K458*.
Identifiers: ClinVar variation 4847493 (VCV004847493.1).